The following is an entry in ClinVar:

ClinVar aggregate classification (germline): Conflicting classifications of pathogenicity. Review status: criteria provided, conflicting classifications (1 of 4 stars). 4 submissions from 4 submitters: Uncertain significance (1); Benign (1); Likely benign (2). Last evaluated 2026-01-27.

Allele frequency attached by ClinVar (database versions not stated): 1000 Genomes Project 30x 0.00016; 1000 Genomes Project 0.00020; gnomAD 0.00020 and 0.00034; TOPMed 0.00027; ESP Exome Variant Server 0.00038; gnomAD exomes 0.00074 and 0.00121; ExAC 0.00139.
gnomAD v4.1: 1,144 of 1,612,728 alleles (0.071%); highest among the groups gnomAD compares: South Asian, 0.7%; 15 homozygotes.

Submissions (4):

Labcorp Genetics (formerly Invitae), Labcorp
Classification: Benign. Last evaluated: 2026-01-27. Review status: criteria provided, single submitter. Criteria: Invitae Variant Classification Sherloc (09022015). Collection method: clinical testing. Allele origin: germline.

Ambry Genetics
Classification: Uncertain significance. Last evaluated: 2025-10-07. Review status: criteria provided, single submitter. Criteria: Ambry Variant Classification Scheme 2023. Collection method: clinical testing. Allele origin: germline.

CeGaT Center for Human Genetics Tuebingen
Classification: Likely benign. Last evaluated: 2025-07-01. Review status: criteria provided, single submitter. Criteria: CeGaT Center For Human Genetics Tuebingen Variant Classification Criteria Version 2. Collection method: clinical testing. Allele origin: germline. Affected: yes. Observed: 1 variant allele.
Comment: SLC39A7: BP4, BS2

Blueprint Genetics
Classification: Likely benign. Last evaluated: 2024-11-26. Review status: criteria provided, single submitter. Criteria: ACMG Guidelines, 2015. Collection method: clinical testing. Allele origin: germline.

NM_006979.3(SLC39A7):c.1057A>G (p.Met353Val)

Gene: SLC39A7 (solute carrier family 39 member 7; plus strand). Cytogenetic location: 6p21.32.
Variant type: single nucleotide variant.
Coding change: c.1057A>G on transcript NM_006979.3 (MANE Select); coding-DNA position 1057, A replaced by G.
Protein change: p.Met353Val; replaces methionine 353 with valine.
Molecular consequence: missense variant.
Genome position (GRCh38, 1-based): chr6:33,203,026, A>G. VCF-style: chr6-33203026-A-G. GRCh37 (hg19) VCF-style: chr6-33170803-A-G.
Other names: c.1057A>G (NM_006979.2); c.1057A>G, p.Met353Val (NM_001077516.2); c.682A>G, p.Met228Val (NM_001288777.2); short protein forms M228V, M353V.
Identifiers: ClinVar variation 1167852 (VCV001167852.18), dbSNP rs200791329, ClinGen allele CA3752416.
Genomic context (GRCh38, chr6:33,203,026, plus strand): 5'-GATGGTCTGGCCATTGGGGCTTCCTTTCGAGGGGGCCGGGGACTAGGGATCCTGACCACA[A>G]TGACTGTCCTGCTACATGAAGTGCCCCACGAGGTCGGAGACTTTGCCATCTTGGTCCAGT-3'
Protein context (NP_008910.2, residues 343-363): GGRGLGILTT[Met353Val]TVLLHEVPHE